The following is an entry in ClinVar:

NM_130837.3(OPA1):c.734A>T (p.Glu245Val)

Genes: OPA1 (OPA1 mitochondrial dynamin like GTPase; plus strand), OPA1-AS1 (OPA1 antisense RNA 1; minus strand). Cytogenetic location: 3q29.
Variant type: single nucleotide variant.
Coding change: c.734A>T on transcript NM_130837.3 (MANE Select); coding-DNA position 734, A replaced by T.
Protein change: p.Glu245Val; replaces glutamic acid 245 with valine.
Molecular consequence: missense variant. On other transcripts: intron variant (5).
Genome position (GRCh38, 1-based): chr3:193,626,147, A>T. VCF-style: chr3-193626147-A-T. GRCh37 (hg19) VCF-style: chr3-193343936-A-T.
Other names: c.200A>T, p.Glu67Val (NM_001354663.2); c.572A>T, p.Glu191Val (NM_130833.3); c.626A>T, p.Glu209Val (NM_130835.3); c.680A>T, p.Glu227Val (NM_130836.3); c.253-5465A>T (NM_001354664.2); c.679-5465A>T (NM_130834.3); c.625-5465A>T (NM_015560.3); c.571-5465A>T (NM_130832.3); and 1 more; short protein forms E245V, E191V, E209V, E67V, E227V.
Identifiers: ClinVar variation 4704788 (VCV004704788.1).

ClinVar aggregate classification (germline): Uncertain significance (1 of 4 stars; one submission).

gnomAD v4.1: 1 of 1,614,132 alleles (0.000062%); highest among the groups gnomAD compares: Admixed American, 0.0017%; no homozygotes.

Submission:

Labcorp Genetics (formerly Invitae), Labcorp
Classification: Uncertain significance. Last evaluated: 2025-09-10. Review status: criteria provided, single submitter. Criteria: Invitae Variant Classification Sherloc (09022015). Collection method: clinical testing. Allele origin: germline.
Comment: The OPA1 gene has multiple clinically relevant transcripts. This variant occurs in alternate transcript NM_130837.2, and corresponds to NM_015560.2 c.625-5465A>T in the primary transcript. This sequence change replaces glutamic acid, which is acidic and polar, with valine, which is neutral and non-polar, at codon 245 of the OPA1 protein (p.Glu245Val). This variant is not present in population databases (gnomAD no frequency). This variant has not been reported in the literature in individuals affected with OPA1-related conditions. Algorithms developed to predict the effect of sequence changes on RNA splicing suggest that this variant is not likely to affect RNA splicing. In summary, the available evidence is currently insufficient to determine the role of this variant in disease. Therefore, it has been classified as a Variant of Uncertain Significance.